The following is an entry in ClinVar:

NM_001376.5(DYNC1H1):c.4139A>G (p.Tyr1380Cys)

Gene: DYNC1H1 (dynein cytoplasmic 1 heavy chain 1; plus strand). Cytogenetic location: 14q32.31.
Variant type: single nucleotide variant.
Coding change: c.4139A>G on transcript NM_001376.5 (MANE Select); coding-DNA position 4139, A replaced by G.
Protein change: p.Tyr1380Cys; replaces tyrosine 1380 with cysteine.
Molecular consequence: missense variant.
Genome position (GRCh38, 1-based): chr14:102,001,018, A>G. VCF-style: chr14-102001018-A-G. GRCh37 (hg19) VCF-style: chr14-102467355-A-G.
Other names: short protein forms Y1380C.
Identifiers: ClinVar variation 2883661 (VCV002883661.5), dbSNP rs746142702, ClinGen allele CA7352176.
Genomic context (GRCh38, chr14:102,001,018, plus strand): 5'-GACAAAATTTGGATGCCCTCCTGAACCAGCTGAAAAGCTTCCCTGCCCGGTTGCGACAGT[A>G]TGCGTCCTATGAGTTTGTTCAGAGGCTTCTGAAAGGTTACATGAAGGTAGGTGGCCAGTA-3'
Protein context (NP_001367.2, residues 1370-1390): LKSFPARLRQ[Tyr1380Cys]ASYEFVQRLL

ClinVar aggregate classification (germline): Uncertain significance. Review status: criteria provided, multiple submitters, no conflicts (2 of 4 stars). 2 submissions from 2 submitters: Uncertain significance (2). Last evaluated 2025-07-10.

Conditions:
Charcot-Marie-Tooth disease axonal type 2O. Also called: CHARCOT-MARIE-TOOTH NEUROPATHY, AXONAL, TYPE 2O; CHARCOT-MARIE-TOOTH DISEASE, AXONAL, AUTOSOMAL DOMINANT, TYPE 2O; Charcot-Marie-Tooth Neuropathy Type 2O; Charcot-Marie-Tooth disease, axonal, type 20. Identifiers: Orphanet 284232, MedGen C3280220, MONDO:0013644, OMIM 614228.

Allele frequency attached by ClinVar (database versions not stated): ExAC 0.00001.

Submissions (2):

GeneDx
Classification: Uncertain significance. Last evaluated: 2025-07-10. Review status: criteria provided, single submitter. Criteria: GeneDx Variant Classification Process June 2021. Collection method: clinical testing. Allele origin: germline. Affected: yes.
Comment: In silico analysis supports that this missense variant has a deleterious effect on protein structure/function; Has not been previously published as pathogenic or benign to our knowledge; This variant is associated with the following publications: (PMID: 25512093, 25609763, 26100331)

Labcorp Genetics (formerly Invitae), Labcorp
Classification: Uncertain significance for Charcot-Marie-Tooth disease axonal type 2O. Last evaluated: 2023-11-02. Review status: criteria provided, single submitter. Criteria: Invitae Variant Classification Sherloc (09022015). Collection method: clinical testing. Allele origin: germline.
Comment: This sequence change replaces tyrosine, which is neutral and polar, with cysteine, which is neutral and slightly polar, at codon 1380 of the DYNC1H1 protein (p.Tyr1380Cys). This variant is present in population databases (rs746142702, gnomAD 0.007%). This variant has not been reported in the literature in individuals affected with DYNC1H1-related conditions. Advanced modeling of protein sequence and biophysical properties (such as structural, functional, and spatial information, amino acid conservation, physicochemical variation, residue mobility, and thermodynamic stability) performed at Invitae indicates that this missense variant is expected to disrupt DYNC1H1 protein function with a positive predictive value of 95%. In summary, the available evidence is currently insufficient to determine the role of this variant in disease. Therefore, it has been classified as a Variant of Uncertain Significance.